The following is an entry in ClinVar:

ClinVar aggregate classification (germline): Uncertain significance (1 of 4 stars; one submission).

Submission:

GeneDx
Classification: Uncertain significance. Last evaluated: 2024-12-18. Review status: criteria provided, single submitter. Criteria: GeneDx Variant Classification Process June 2021. Collection method: clinical testing. Allele origin: germline. Affected: yes.
Comment: Not observed at significant frequency in large population cohorts (gnomAD); In silico analysis indicates that this missense variant does not alter protein structure/function; Has not been previously published as pathogenic or benign to our knowledge

NM_001374828.1(ARID1B):c.1984C>A (p.Gln662Lys)

Gene: ARID1B (AT-rich interaction domain 1B; plus strand). Cytogenetic location: 6q25.3.
Variant type: single nucleotide variant.
Coding change: c.1984C>A on transcript NM_001374828.1 (MANE Select); coding-DNA position 1984, C replaced by A.
Protein change: p.Gln662Lys; replaces glutamine 662 with lysine.
Molecular consequence: missense variant.
Genome position (GRCh38, 1-based): chr6:156,829,419, C>A. VCF-style: chr6-156829419-C-A. GRCh37 (hg19) VCF-style: chr6-157150553-C-A.
Other names: c.1984C>A, p.Gln662Lys (NM_001371656.1, NM_001374820.1, NM_017519.3); c.1735C>A (NM_020732.3); short protein forms Q662K.
Identifiers: ClinVar variation 3906735 (VCV003906735.1).